The following is an entry in ClinVar:

NM_152424.4(AMER1):c.1266C>G (p.Asn422Lys)

Gene: AMER1 (APC membrane recruitment protein 1; minus strand). Cytogenetic location: Xq11.2.
Variant type: single nucleotide variant.
Coding change: c.1266C>G on transcript NM_152424.4 (MANE Select); coding-DNA position 1266, C replaced by G.
Protein change: p.Asn422Lys; replaces asparagine 422 with lysine.
Molecular consequence: missense variant.
Genome position (GRCh38, 1-based): chrX:64,192,021, G>C on the plus strand (C>G on the coding strand, the complement: AMER1 is on the minus strand). VCF-style: chrX-64192021-G-C. GRCh37 (hg19) VCF-style: chrX-63411901-G-C.
Other names: short protein forms N422K.
Identifiers: ClinVar variation 2704052 (VCV002704052.3), dbSNP rs2147088720, ClinGen allele CA413308107.

ClinVar aggregate classification (germline): Uncertain significance (1 of 4 stars; one submission).

Allele frequency attached by ClinVar (database versions not stated): gnomAD exomes below 0.00001.
gnomAD v4.1: 2 of 1,211,938 alleles (0.00017%); highest among the groups gnomAD compares: Non-Finnish European, 0.00011%; no homozygotes.

Submission:

Labcorp Genetics (formerly Invitae), Labcorp
Classification: Uncertain significance. Last evaluated: 2023-12-19. Review status: criteria provided, single submitter. Criteria: Invitae Variant Classification Sherloc (09022015). Collection method: clinical testing. Allele origin: germline.
Comment: This sequence change replaces asparagine, which is neutral and polar, with lysine, which is basic and polar, at codon 422 of the AMER1 protein (p.Asn422Lys). This variant is not present in population databases (gnomAD no frequency). This variant has not been reported in the literature in individuals affected with AMER1-related conditions. An algorithm developed to predict the effect of missense changes on protein structure and function (PolyPhen-2) suggests that this variant is likely to be tolerated. In summary, the available evidence is currently insufficient to determine the role of this variant in disease. Therefore, it has been classified as a Variant of Uncertain Significance.